The following is an entry in ClinVar:

NM_001365276.2(TNXB):c.4426C>T (p.Arg1476Cys)

Gene: TNXB (tenascin XB; minus strand). Cytogenetic location: 6p21.33.
Variant type: single nucleotide variant.
Coding change: c.4426C>T on transcript NM_001365276.2 (MANE Select); coding-DNA position 4426, C replaced by T.
Protein change: p.Arg1476Cys; replaces arginine 1476 with cysteine.
Molecular consequence: missense variant.
Genome position (GRCh38, 1-based): chr6:32,073,902, G>A on the plus strand (C>T on the coding strand, the complement: TNXB is on the minus strand). VCF-style: chr6-32073902-G-A. GRCh37 (hg19) VCF-style: chr6-32041679-G-A.
Other names: c.4426C>T, p.Arg1476Cys (NM_019105.8); short protein forms R1476C.
Identifiers: ClinVar variation 1740514 (VCV001740514.7), dbSNP rs758078005, ClinGen allele CA3734948.

ClinVar aggregate classification (germline): Uncertain significance. Review status: criteria provided, multiple submitters, no conflicts (2 of 4 stars). 3 submissions from 3 submitters: Uncertain significance (3). Last evaluated 2025-07-16.

Conditions:
Cardiovascular phenotype. Identifiers: MedGen CN230736.
Vesicoureteral reflux 8 (VUR8). Identifiers: Orphanet 289365, MedGen C4014831, MONDO:0014422, OMIM 615963.

Allele frequency attached by ClinVar (database versions not stated): TOPMed 0.00001; gnomAD 0.00002; gnomAD exomes 0.00002; ExAC 0.00009.

Submissions (3):

Women's Health and Genetics/Laboratory Corporation of America, LabCorp
Classification: Uncertain significance. Last evaluated: 2025-07-16. Review status: criteria provided, single submitter. Criteria: LabCorp Variant Classification Summary - May 2015. Collection method: clinical testing. Allele origin: germline.
Comment: Variant summary: TNXB c.4426C>T (p.Arg1476Cys) results in a non-conservative amino acid change in the encoded protein sequence. Algorithms developed to predict the effect of missense changes on protein structure and function are either unavailable or do not agree on the potential impact of this missense change. The variant allele was found at a frequency of 4.9e-05 in 243484 control chromosomes. This frequency is not significantly higher than estimated for a pathogenic variant in TNXB causing Ehlers-Danlos syndrome due to tenascin-X deficiency (4.9e-05 vs 0.0011), allowing no conclusion about variant significance. To our knowledge, no occurrence of c.4426C>T in individuals affected with Ehlers-Danlos syndrome due to tenascin-X deficiency and no experimental evidence demonstrating its impact on protein function have been reported. ClinVar contains an entry for this variant (Variation ID: 1740514). Based on the evidence outlined above, the variant was classified as uncertain significance.

Ambry Genetics
Classification: Uncertain significance for Cardiovascular phenotype. Last evaluated: 2025-01-07. Review status: criteria provided, single submitter. Criteria: Ambry Variant Classification Scheme 2023. Collection method: clinical testing. Allele origin: germline.
Comment: The p.R1476C variant (also known as c.4426C>T), located in coding exon 11 of the TNXB gene, results from a C to T substitution at nucleotide position 4426. The arginine at codon 1476 is replaced by cysteine, an amino acid with highly dissimilar properties. This amino acid position is well conserved in available vertebrate species; however, cysteine is the reference amino acid in other vertebrate species. In addition, this alteration is predicted to be tolerated by in silico analysis. Since supporting evidence is limited at this time, the clinical significance of this alteration remains unclear.

Revvity Omics, Revvity
Classification: Uncertain significance for Vesicoureteral reflux 8. Last evaluated: 2021-04-22. Review status: criteria provided, single submitter. Criteria: ACMG Guidelines, 2015. Collection method: clinical testing. Allele origin: germline.